The following is an entry in ClinVar:

ClinVar aggregate classification (germline): Uncertain significance (1 of 4 stars; one submission).

Allele frequency attached by ClinVar (database versions not stated): TOPMed 0.00002; gnomAD exomes 0.00001 and 0.00002; ExAC 0.00002; ESP Exome Variant Server 0.00019; gnomAD 0.00003.
gnomAD v4.1: 16 of 1,208,108 alleles (0.0013%); highest among the groups gnomAD compares: African/African-American, 0.0035%; no homozygotes.

Submission:

Labcorp Genetics (formerly Invitae), Labcorp
Classification: Uncertain significance. Last evaluated: 2025-10-23. Review status: criteria provided, single submitter. Criteria: Invitae Variant Classification Sherloc (09022015). Collection method: clinical testing. Allele origin: germline.
Comment: This sequence change replaces aspartic acid, which is acidic and polar, with asparagine, which is neutral and polar, at codon 310 of the POLA1 protein (p.Asp310Asn). This variant is present in population databases (rs142553261, gnomAD 0.006%). This variant has not been reported in the literature in individuals affected with POLA1-related conditions. ClinVar contains an entry for this variant (Variation ID: 1366577). Invitae Evidence Modeling of protein sequence and biophysical properties (such as structural, functional, and spatial information, amino acid conservation, physicochemical variation, residue mobility, and thermodynamic stability) indicates that this missense variant is not expected to disrupt POLA1 protein function with a negative predictive value of 80%. In summary, the available evidence is currently insufficient to determine the role of this variant in disease. Therefore, it has been classified as a Variant of Uncertain Significance.

NM_001330360.2(POLA1):c.946G>A (p.Asp316Asn)

Gene: POLA1 (DNA polymerase alpha 1, catalytic subunit; plus strand). Cytogenetic location: Xp22.11.
Variant type: single nucleotide variant.
Coding change: c.946G>A on transcript NM_001330360.2 (MANE Select); coding-DNA position 946, G replaced by A.
Protein change: p.Asp316Asn; replaces aspartic acid 316 with asparagine.
Molecular consequence: missense variant. On other transcripts: non-coding transcript variant (2).
Genome position (GRCh38, 1-based): chrX:24,717,617, G>A. VCF-style: chrX-24717617-G-A. GRCh37 (hg19) VCF-style: chrX-24735734-G-A.
Other names: c.946G>A, p.Asp316Asn (NM_001378303.1); c.928G>A, p.Asp310Asn (NM_016937.4); short protein forms D310N, D316N.
Identifiers: ClinVar variation 1366577 (VCV001366577.6), dbSNP rs142553261, ClinGen allele CA10372885.
Genomic context (GRCh38, chrX:24,717,617, plus strand): 5'-TTTTGAAAATGTGATTTCTGCAGAGGAAGTTTTCTCCCGGATGTCTCTTGTTGGGACATT[G>A]ATCAAGAAGGTGATAGCAGTTTCTCAGTGCAAGAAGTTCAAGTGGATTCCAGTCACCTCC-3'
Protein context (NP_001317289.1, residues 306-326): FLPDVSCWDI[Asp316Asn]QEGDSSFSVQ